The following is an entry in ClinVar:

NM_003239.5(TGFB3):c.646+13T>C

Gene: TGFB3 (transforming growth factor beta 3; minus strand). Cytogenetic location: 14q24.3.
Variant type: single nucleotide variant.
Coding change: c.646+13T>C on transcript NM_003239.5 (MANE Select); 13 bases into the intron after coding-DNA position 646, T replaced by C.
Molecular consequence: intron variant.
Genome position (GRCh38, 1-based): chr14:75,971,113, A>G on the plus strand (T>C on the coding strand, the complement: TGFB3 is on the minus strand). VCF-style: chr14-75971113-A-G. GRCh37 (hg19) VCF-style: chr14-76437456-A-G.
Other names: c.646+13T>C (NM_001329939.2, NM_001329938.2).
Identifiers: ClinVar variation 314449 (VCV000314449.8), dbSNP rs780891440, ClinGen allele CA7280389.

ClinVar aggregate classification (germline): Likely benign. Review status: criteria provided, multiple submitters, no conflicts (2 of 4 stars). 4 submissions from 4 submitters: Likely benign (4). Last evaluated 2026-01-04.

Conditions:
Rienhoff syndrome. Also called: LOEYS-DIETZ SYNDROME 5. Identifiers: MedGen C3810012, MONDO:0014262, OMIM 615582.

Allele frequency attached by ClinVar (database versions not stated): ExAC 0.00005; gnomAD exomes 0.00007 and 0.00004; gnomAD 0.00076 and 0.00003; TOPMed 0.00104.
gnomAD v4.1: 216 of 1,613,524 alleles (0.013%); highest among the groups gnomAD compares: Non-Finnish European, 0.0092%; 3 homozygotes.

Submissions (4):

Labcorp Genetics (formerly Invitae), Labcorp
Classification: Likely benign for Rienhoff syndrome. Last evaluated: 2026-01-04. Review status: criteria provided, single submitter. Criteria: Invitae Variant Classification Sherloc (09022015). Collection method: clinical testing. Allele origin: germline.

Women's Health and Genetics/Laboratory Corporation of America, LabCorp
Classification: Likely benign. Last evaluated: 2024-12-06. Review status: criteria provided, single submitter. Criteria: LabCorp Variant Classification Summary - May 2015. Collection method: clinical testing. Allele origin: germline.

Blueprint Genetics
Classification: Likely benign. Last evaluated: 2024-10-24. Review status: criteria provided, single submitter. Criteria: ACMG Guidelines, 2015. Collection method: clinical testing. Allele origin: germline.

GeneDx
Classification: Likely benign. Last evaluated: 2018-01-16. Review status: criteria provided, single submitter. Criteria: GeneDx Variant Classification (06012015). Collection method: clinical testing. Allele origin: germline. Affected: yes.
Comment: This variant is considered likely benign or benign based on one or more of the following criteria: it is a conservative change, it occurs at a poorly conserved position in the protein, it is predicted to be benign by multiple in silico algorithms, and/or has population frequency not consistent with disease.